The following is an entry in ClinVar:

NM_001283009.2(RTEL1):c.3839C>T (p.Pro1280Leu)

Genes: RTEL1 (regulator of telomere elongation helicase 1; plus strand), RTEL1-TNFRSF6B (RTEL1-TNFRSF6B readthrough (NMD candidate); plus strand). Cytogenetic location: 20q13.33.
Variant type: single nucleotide variant.
Coding change: c.3839C>T on transcript NM_001283009.2 (MANE Select); coding-DNA position 3839, C replaced by T.
Protein change: p.Pro1280Leu; replaces proline 1280 with leucine.
Molecular consequence: missense variant. On other transcripts: non-coding transcript variant (1), 3 prime UTR variant (3).
Genome position (GRCh38, 1-based): chr20:63,695,794, C>T. VCF-style: chr20-63695794-C-T. GRCh37 (hg19) VCF-style: chr20-62327147-C-T.
Other names: c.*9C>T (NM_001283010.1, NM_016434.4, NM_032957.5); short protein forms P1280L.
Identifiers: ClinVar variation 3790988 (VCV003790988.1).

ClinVar aggregate classification (germline): Uncertain significance (1 of 4 stars; one submission).

Conditions:
Inborn genetic diseases. Identifiers: MedGen C0950123, MeSH D030342.

gnomAD v4.1: 1 of 1,595,714 alleles (0.000063%); highest among the groups gnomAD compares: African/African-American, 0.0013%; no homozygotes.

Submission:

Ambry Genetics
Classification: Uncertain significance for Inborn genetic diseases. Last evaluated: 2024-12-20. Review status: criteria provided, single submitter. Criteria: Ambry Variant Classification Scheme 2023. Collection method: clinical testing. Allele origin: germline.
Comment: The p.P1280L variant (also known as c.3839C>T), located in coding exon 34 of the RTEL1 gene, results from a C to T substitution at nucleotide position 3839. The proline at codon 1280 is replaced by leucine, an amino acid with similar properties. This amino acid position is conserved. In addition, the in silico prediction for this alteration is inconclusive. Based on the available evidence, the clinical significance of this variant remains unclear.